The following is an entry in ClinVar:

NM_007175.8(ERLIN2):c.785G>A (p.Cys262Tyr)

Gene: ERLIN2 (ER lipid raft associated 2; plus strand). Cytogenetic location: 8p11.23.
Variant type: single nucleotide variant.
Coding change: c.785G>A on transcript NM_007175.8 (MANE Select); coding-DNA position 785, G replaced by A.
Protein change: p.Cys262Tyr; replaces cysteine 262 with tyrosine.
Molecular consequence: missense variant.
Genome position (GRCh38, 1-based): chr8:37,753,495, G>A. VCF-style: chr8-37753495-G-A. GRCh37 (hg19) VCF-style: chr8-37611013-G-A.
Other names: c.785G>A, p.Cys262Tyr (NM_001362878.2); short protein forms C262Y.
Identifiers: ClinVar variation 4738407 (VCV004738407.1).

ClinVar aggregate classification (germline): Uncertain significance (1 of 4 stars; one submission).

Conditions:
Spastic paraplegia. Identifiers: MedGen C0037772, HP:0001258.

gnomAD v4.1: 2 of 1,614,134 alleles (0.00012%); highest among the groups gnomAD compares: South Asian, 0.0011%; no homozygotes.

Submission:

Labcorp Genetics (formerly Invitae), Labcorp
Classification: Uncertain significance for Spastic paraplegia. Last evaluated: 2025-03-06. Review status: criteria provided, single submitter. Criteria: Invitae Variant Classification Sherloc (09022015). Collection method: clinical testing. Allele origin: germline.
Comment: This sequence change replaces cysteine, which is neutral and slightly polar, with tyrosine, which is neutral and polar, at codon 262 of the ERLIN2 protein (p.Cys262Tyr). This variant is not present in population databases (gnomAD no frequency). This variant has not been reported in the literature in individuals affected with ERLIN2-related conditions. Invitae Evidence Modeling of protein sequence and biophysical properties (such as structural, functional, and spatial information, amino acid conservation, physicochemical variation, residue mobility, and thermodynamic stability) indicates that this missense variant is not expected to disrupt ERLIN2 protein function with a negative predictive value of 80%. In summary, the available evidence is currently insufficient to determine the role of this variant in disease. Therefore, it has been classified as a Variant of Uncertain Significance.